The following is an entry in ClinVar:

NM_004984.4(KIF5A):c.1819C>A (p.Gln607Lys)

Gene: KIF5A (kinesin family member 5A; plus strand). Cytogenetic location: 12q13.3.
Variant type: single nucleotide variant.
Coding change: c.1819C>A on transcript NM_004984.4 (MANE Select); coding-DNA position 1819, C replaced by A.
Protein change: p.Gln607Lys; replaces glutamine 607 with lysine.
Molecular consequence: missense variant.
Genome position (GRCh38, 1-based): chr12:57,575,186, C>A. VCF-style: chr12-57575186-C-A. GRCh37 (hg19) VCF-style: chr12-57968969-C-A.
Other names: c.1552C>A, p.Gln518Lys (NM_001354705.2); short protein forms Q518K, Q607K.
Identifiers: ClinVar variation 3773752 (VCV003773752.1).

ClinVar aggregate classification (germline): Uncertain significance (1 of 4 stars; one submission).

Conditions:
Hereditary spastic paraplegia. Also called: Familial spastic paraparesis. Identifiers: Orphanet 685, MedGen C0037773, MONDO:0019064. Disease mechanism: loss of function.

Submission:

Molecular Genetics, Royal Melbourne Hospital
Classification: Uncertain significance for Hereditary spastic paraplegia. Last evaluated: 2025-02-06. Review status: criteria provided, single submitter. Criteria: ACMG Guidelines, 2015. Collection method: clinical testing. Allele origin: germline. Inheritance: Autosomal dominant inheritance. Affected: yes.
Comment: This sequence change in KIF5A is predicted to replace glutamine with lysine at codon 607, p.(Gln607Lys). The glutamine residue is moderately conserved (100 vertebrates, Multiz Alignments), and is located in the coiled-coil domain. There is a small physicochemical difference between glutamine and lysine. KIF5A, in which the variant was identified, is a gene significantly constrained for missense variation and where pathogenic missense variants are a common mechanism of disease (gnomAD v4.1). This variant is absent from the population database gnomAD v4.1. To our knowledge, this variant is novel and has not been previously reported in the relevant scientific literature or databases. Computational evidence is uninformative for the missense substitution (REVEL = 0.36) and predicts no impact on splicing (SpliceAI) for the nucleotide change. Based on the classification scheme RMH Modified ACMG/AMP Guidelines v1.7.1, this variant is classified as a VARIANT OF UNCERTAIN SIGNIFICANCE. Following criteria are met: PM2_Supporting, PP2.